The following is an entry in ClinVar:

NM_000051.4(ATM):c.7253A>G (p.Lys2418Arg)

Genes: ATM (ATM serine/threonine kinase; plus strand), C11orf65 (chromosome 11 open reading frame 65; minus strand). Cytogenetic location: 11q22.3.
Variant type: single nucleotide variant.
Coding change: c.7253A>G on transcript NM_000051.4 (MANE Select); coding-DNA position 7253, A replaced by G.
Protein change: p.Lys2418Arg; replaces lysine 2418 with arginine.
Molecular consequence: missense variant. On other transcripts: intron variant (2).
Genome position (GRCh38, 1-based): chr11:108,329,184, A>G. VCF-style: chr11-108329184-A-G. GRCh37 (hg19) VCF-style: chr11-108199911-A-G.
Other names: c.7253A>G, p.Lys2418Arg (NM_001351834.2); c.641-20113T>C (NM_001330368.2); c.*38+6036T>C (NM_001351110.2); short protein forms K2418R.
Identifiers: ClinVar variation 4747256 (VCV004747256.1).

ClinVar aggregate classification (germline): Uncertain significance (1 of 4 stars; one submission).

Conditions:
Ataxia-telangiectasia syndrome (AT). Also called: LOUIS-BAR SYNDROME; Cerebello-oculocutaneous telangiectasia; Immunodeficiency with ataxia telangiectasia; Ataxia-telangiectasia, complementation group D; AT, COMPLEMENTATION GROUP C; ATAXIA-TELANGIECTASIA, COMPLEMENTATION GROUP A. Identifiers: Orphanet 100, MedGen C0004135, MONDO:0008840, OMIM 208900.

gnomAD v4.1: 1 of 1,614,066 alleles (0.000062%); highest among the groups gnomAD compares: Non-Finnish European, 0.000085%; no homozygotes.

Submission:

Labcorp Genetics (formerly Invitae), Labcorp
Classification: Uncertain significance for Ataxia-telangiectasia syndrome. Last evaluated: 2025-12-13. Review status: criteria provided, single submitter. Criteria: Invitae Variant Classification Sherloc (09022015). Collection method: clinical testing. Allele origin: germline.
Comment: This sequence change replaces lysine, which is basic and polar, with arginine, which is basic and polar, at codon 2418 of the ATM protein (p.Lys2418Arg). This variant is not present in population databases (gnomAD no frequency). This variant has not been reported in the literature in individuals affected with ATM-related conditions. Invitae Evidence Modeling of protein sequence and biophysical properties (such as structural, functional, and spatial information, amino acid conservation, physicochemical variation, residue mobility, and thermodynamic stability) indicates that this missense variant is not expected to disrupt ATM protein function with a negative predictive value of 95%. In summary, the available evidence is currently insufficient to determine the role of this variant in disease. Therefore, it has been classified as a Variant of Uncertain Significance.